The following is an entry in ClinVar:

ClinVar aggregate classification (germline): Pathogenic (1 of 4 stars; one submission).

Conditions:
Familial hemiplegic migraine. Identifiers: MedGen C0338484, MONDO:0000700.

Submission:

Labcorp Genetics (formerly Invitae), Labcorp
Classification: Pathogenic for Familial hemiplegic migraine. Last evaluated: 2023-12-05. Review status: criteria provided, single submitter. Criteria: Invitae Variant Classification Sherloc (09022015). Collection method: clinical testing. Allele origin: germline.
Comment: This sequence change creates a premature translational stop signal (p.Val709Glyfs*5) in the ATP1A2 gene. It is expected to result in an absent or disrupted protein product. Loss-of-function variants in ATP1A2 are known to be pathogenic (PMID: 30690204). This variant is not present in population databases (gnomAD no frequency). This variant has not been reported in the literature in individuals affected with ATP1A2-related conditions. For these reasons, this variant has been classified as Pathogenic.

Literature cited by the submitters: PubMed 30690204.

NM_000702.4(ATP1A2):c.2126_2127del (p.Val709fs)

Gene: ATP1A2 (ATPase Na+/K+ transporting subunit alpha 2; plus strand). Cytogenetic location: 1q23.2.
Variant type: Microsatellite.
Coding change: c.2126_2127del on transcript NM_000702.4 (MANE Select); coding-DNA positions 2126 to 2127, 2 bases deleted (TG; older notation c.2126_2127delTG).
Protein change: p.Val709fs; shifts the reading frame from valine 709.
Molecular consequence: frameshift variant.
Genome position (GRCh38, 1-based): chr1:160,135,444-160,135,445, TG deleted; deleting any 2 consecutive bases within chr1:160,135,442-160,135,445 gives the same sequence; the c. name uses the placement nearest the transcript's 3' end. VCF-style (leftmost placement, unchanged base first): chr1-160135441-TTG-T. GRCh37 (hg19) VCF-style: chr1-160105231-TTG-T.
Other names: short protein forms V709fs.
Identifiers: ClinVar variation 2699167 (VCV002699167.3), dbSNP rs2524887082, ClinGen allele CA2648642775.